The following is an entry in ClinVar:

ClinVar aggregate classification (germline): Uncertain significance. Review status: criteria provided, multiple submitters, no conflicts (2 of 4 stars). 2 submissions from 2 submitters: Uncertain significance (2). Last evaluated 2025-09-15.

Conditions:
Amyotrophic lateral sclerosis type 15. Also called: AMYOTROPHIC LATERAL SCLEROSIS 15 WITH FRONTOTEMPORAL DEMENTIA. Identifiers: Orphanet 803, MedGen C3275459, MONDO:0010459, OMIM 300857.

Allele frequency attached by ClinVar (database versions not stated): ExAC 0.00001; gnomAD 0.00001; TOPMed 0.00001.
gnomAD v4.1: 1 of 1,209,262 alleles (0.000083%); highest among the groups gnomAD compares: African/African-American, 0.0018%; no homozygotes.

Submissions (2):

Labcorp Genetics (formerly Invitae), Labcorp
Classification: Uncertain significance for Amyotrophic lateral sclerosis type 15. Last evaluated: 2025-09-15. Review status: criteria provided, single submitter. Criteria: Invitae Variant Classification Sherloc (09022015). Collection method: clinical testing. Allele origin: germline.
Comment: This sequence change replaces asparagine, which is neutral and polar, with aspartic acid, which is acidic and polar, at codon 122 of the UBQLN2 protein (p.Asn122Asp). This variant is not present in population databases (gnomAD no frequency). This variant has not been reported in the literature in individuals affected with UBQLN2-related conditions. ClinVar contains an entry for this variant (Variation ID: 2169288). Invitae Evidence Modeling of protein sequence and biophysical properties (such as structural, functional, and spatial information, amino acid conservation, physicochemical variation, residue mobility, and thermodynamic stability) indicates that this missense variant is not expected to disrupt UBQLN2 protein function with a negative predictive value of 80%. In summary, the available evidence is currently insufficient to determine the role of this variant in disease. Therefore, it has been classified as a Variant of Uncertain Significance.

Athena Diagnostics
Classification: Uncertain significance. Last evaluated: 2025-05-13. Review status: criteria provided, single submitter. Criteria: Athena Diagnostics Criteria. Collection method: clinical testing. Allele origin: unknown.
Comment: Available data are insufficient to determine the clinical significance of the variant at this time. The frequency of this variant in the general population is uninformative in assessment of its pathogenicity. Polyphen and MutationTaster predict this amino acid change may be benign.

NM_013444.4(UBQLN2):c.364A>G (p.Asn122Asp)

Gene: UBQLN2 (ubiquilin 2; plus strand). Cytogenetic location: Xp11.21.
Variant type: single nucleotide variant.
Coding change: c.364A>G on transcript NM_013444.4 (MANE Select); coding-DNA position 364, A replaced by G.
Protein change: p.Asn122Asp; replaces asparagine 122 with aspartic acid.
Molecular consequence: missense variant.
Genome position (GRCh38, 1-based): chrX:56,564,237, A>G. VCF-style: chrX-56564237-A-G. GRCh37 (hg19) VCF-style: chrX-56590670-A-G.
Other names: short protein forms N122D.
Identifiers: ClinVar variation 2169288 (VCV002169288.5), dbSNP rs769161895, ClinGen allele CA10430062.